The following is an entry in ClinVar:

NM_000051.4(ATM):c.2921+9T>G

Gene: ATM (ATM serine/threonine kinase; plus strand). Cytogenetic location: 11q22.3.
Variant type: single nucleotide variant.
Coding change: c.2921+9T>G on transcript NM_000051.4 (MANE Select); 9 bases into the intron after coding-DNA position 2921, T replaced by G.
Molecular consequence: intron variant.
Genome position (GRCh38, 1-based): chr11:108,271,155, T>G. VCF-style: chr11-108271155-T-G. GRCh37 (hg19) VCF-style: chr11-108141882-T-G.
Other names: c.2921+9T>G (NM_001351834.2).
Identifiers: ClinVar variation 2812754 (VCV002812754.3), dbSNP rs2135549171, ClinGen allele CA2615854206.

ClinVar aggregate classification (germline): Uncertain significance (1 of 4 stars; one submission).

Conditions:
Ataxia-telangiectasia syndrome (AT). Also called: Ataxia-telangiectasia, complementation group E; ATAXIA-TELANGIECTASIA, COMPLEMENTATION GROUP A; ATAXIA-TELANGIECTASIA, FRESNO VARIANT; Ataxia-telangiectasia; LOUIS-BAR SYNDROME; Ataxia-telangiectasia, complementation group D. Identifiers: Orphanet 100, MedGen C0004135, MONDO:0008840, OMIM 208900.

Allele frequency attached by ClinVar (database versions not stated): gnomAD exomes below 0.00001.
gnomAD v4.1: 1 of 1,613,898 alleles (0.000062%); highest among the groups gnomAD compares: Non-Finnish European, 0.000085%; no homozygotes.

Submission:

Labcorp Genetics (formerly Invitae), Labcorp
Classification: Uncertain significance for Ataxia-telangiectasia syndrome. Last evaluated: 2022-11-08. Review status: criteria provided, single submitter. Criteria: Invitae Variant Classification Sherloc (09022015). Collection method: clinical testing. Allele origin: germline.
Comment: This sequence change falls in intron 19 of the ATM gene. It does not directly change the encoded amino acid sequence of the ATM protein. In summary, the available evidence is currently insufficient to determine the role of this variant in disease. Therefore, it has been classified as a Variant of Uncertain Significance. Algorithms developed to predict the effect of sequence changes on RNA splicing suggest that this variant may disrupt the consensus splice site. This variant has not been reported in the literature in individuals affected with ATM-related conditions. This variant is not present in population databases (gnomAD no frequency).